The following is an entry in ClinVar:

ClinVar aggregate classification (germline): Likely benign. Review status: criteria provided, multiple submitters, no conflicts (2 of 4 stars). 2 submissions from 2 submitters: Likely benign (2). Last evaluated 2025-11-01.

Conditions:
LMX1B-related disorder. Also called: LMX1B-related condition.

Allele frequency attached by ClinVar (database versions not stated): gnomAD 0.00001; TOPMed 0.00001; gnomAD exomes 0.00003; ExAC 0.00006.

Submissions (2):

Labcorp Genetics (formerly Invitae), Labcorp
Classification: Likely benign. Last evaluated: 2025-11-01. Review status: criteria provided, single submitter. Criteria: Invitae Variant Classification Sherloc (09022015). Collection method: clinical testing. Allele origin: germline.

PreventionGenetics, part of Exact Sciences
Classification: Likely benign for LMX1B-related condition. Last evaluated: 2025-09-04. Review status: criteria provided, single submitter. Criteria: ACMG Guidelines, 2015. Collection method: clinical testing. Allele origin: germline.
Comment: This variant is classified as likely benign based on ACMG/AMP sequence variant interpretation guidelines (Richards et al. 2015 PMID: 25741868, with internal and published modifications).

NM_001174147.2(LMX1B):c.834G>A (p.Ala278=)

Gene: LMX1B (LIM homeobox transcription factor 1 beta; plus strand). Cytogenetic location: 9q33.3.
Variant type: single nucleotide variant.
Coding change: c.834G>A on transcript NM_001174147.2 (MANE Select); coding-DNA position 834, G replaced by A.
Protein change: p.Ala278=; no amino-acid change (alanine 278 retained).
Molecular consequence: synonymous variant.
Genome position (GRCh38, 1-based): chr9:126,693,760, G>A. VCF-style: chr9-126693760-G-A. GRCh37 (hg19) VCF-style: chr9-129456039-G-A.
Other names: c.834G>A, p.Ala278= (NM_001174146.2, NM_002316.4); c.834G>A (NM_002316.3).
Identifiers: ClinVar variation 1627558 (VCV001627558.9), dbSNP rs776615104, ClinGen allele CA5242451.